The following is an entry in ClinVar:

ClinVar aggregate classification (germline): Benign/Likely benign. Review status: criteria provided, multiple submitters, no conflicts (2 of 4 stars). 5 submissions from 5 submitters: Benign (3); Likely benign (1). 1 of the submissions does not count toward it. Last evaluated 2026-01-12.

Conditions:
Inborn genetic diseases. Identifiers: MedGen C0950123, MeSH D030342.
KBG syndrome (KBGS). Also called: ANKRD11-Related KBG Syndrome. Identifiers: Orphanet 2332, MedGen C0220687, MONDO:0007846, OMIM 148050.
ANKRD11-related disorder. Also called: ANKRD11-related condition.

Allele frequency attached by ClinVar (database versions not stated): 1000 Genomes Project 30x 0.00078; 1000 Genomes Project 0.00080.
gnomAD v4.1: 187 of 1,434,820 alleles (0.013%); highest among the groups gnomAD compares: African/African-American, 0.22%; no homozygotes.

Submissions (5):

Labcorp Genetics (formerly Invitae), Labcorp
Classification: Benign for KBG syndrome. Last evaluated: 2026-01-12. Review status: criteria provided, single submitter. Criteria: Invitae Variant Classification Sherloc (09022015). Collection method: clinical testing. Allele origin: germline.

Ambry Genetics
Classification: Likely benign for Inborn genetic diseases. Last evaluated: 2023-05-11. Review status: criteria provided, single submitter. Criteria: Ambry Variant Classification Scheme 2023. Collection method: clinical testing. Allele origin: germline.

Genome-Nilou Lab
Classification: Benign for KBG syndrome. Last evaluated: 2021-12-05. Review status: criteria provided, single submitter. Criteria: ACMG Guidelines, 2015. Collection method: clinical testing. Allele origin: germline. Affected: no.

GeneDx
Classification: Benign. Last evaluated: 2020-03-13. Review status: criteria provided, single submitter. Criteria: GeneDx Variant Classification Process June 2021. Collection method: clinical testing. Allele origin: germline. Affected: yes.

PreventionGenetics, part of Exact Sciences
Classification: Likely benign for ANKRD11-related condition. Last evaluated: 2021-11-09. Review status: no assertion criteria provided. Collection method: clinical testing. Allele origin: germline. Not counted in ClinVar's aggregate classification.
Comment: This variant is classified as likely benign based on ACMG/AMP sequence variant interpretation guidelines (Richards et al. 2015 PMID: 25741868, with internal and published modifications).

NM_013275.6(ANKRD11):c.6977C>T (p.Ala2326Val)

Gene: ANKRD11 (ankyrin repeat domain 11; minus strand). Cytogenetic location: 16q24.3.
Variant type: single nucleotide variant.
Coding change: c.6977C>T on transcript NM_013275.6 (MANE Select); coding-DNA position 6977, C replaced by T.
Protein change: p.Ala2326Val; replaces alanine 2326 with valine.
Molecular consequence: missense variant.
Genome position (GRCh38, 1-based): chr16:89,279,565, G>A on the plus strand (C>T on the coding strand, the complement: ANKRD11 is on the minus strand). VCF-style: chr16-89279565-G-A. GRCh37 (hg19) VCF-style: chr16-89345973-G-A.
Other names: c.6977C>T, p.Ala2326Val (NM_001256182.2, NM_001256183.2); c.6977C>T (NM_013275.4); short protein forms A2326V.
Identifiers: ClinVar variation 1228814 (VCV001228814.16), dbSNP rs576742682, ClinGen allele CA8241308.